The following is an entry in ClinVar:

ClinVar aggregate classification (germline): Uncertain significance (1 of 4 stars; one submission).

Conditions:
Familial melanoma. Also called: Hereditary melanoma; Hereditary cutaneous melanoma. Identifiers: Orphanet 618, MedGen C1512419, MONDO:0018961.

Submission:

Labcorp Genetics (formerly Invitae), Labcorp
Classification: Uncertain significance for Familial melanoma. Last evaluated: 2024-05-06. Review status: criteria provided, single submitter. Criteria: Invitae Variant Classification Sherloc (09022015). Collection method: clinical testing. Allele origin: germline.
Comment: This sequence change affects codon 152 of the CDKN2A (p16INK4a) mRNA. It is a 'silent' change, meaning that it does not change the encoded amino acid sequence of the CDKN2A (p16INK4a) protein. It affects a nucleotide within the consensus splice site. This variant is not present in population databases (gnomAD no frequency). This variant has not been reported in the literature in individuals affected with CDKN2A (p16INK4a)-related conditions. ClinVar contains an entry for this variant (Variation ID: 1373052). Algorithms developed to predict the effect of sequence changes on RNA splicing suggest that this variant may disrupt the consensus splice site. In summary, the available evidence is currently insufficient to determine the role of this variant in disease. Therefore, it has been classified as a Variant of Uncertain Significance.

NM_000077.5(CDKN2A):c.456A>G (p.Ser152=)

Gene: CDKN2A (cyclin dependent kinase inhibitor 2A; minus strand). Cytogenetic location: 9p21.3.
Variant type: single nucleotide variant.
Coding change: c.456A>G on transcript NM_000077.5; coding-DNA position 456, A replaced by G.
Protein change: p.Ser152=; no amino-acid change (serine 152 retained).
Molecular consequence: synonymous variant (on NM_000077.6). On other transcripts: 3 prime UTR variant (2).
Genome position (GRCh38, 1-based): chr9:21,970,903, T>C on the plus strand (A>G on the coding strand, the complement: CDKN2A is on the minus strand). VCF-style: chr9-21970903-T-C. GRCh37 (hg19) VCF-style: chr9-21970902-T-C.
Other names: c.456A>G, p.Ser152= (NM_000077.6, NM_001195132.2); c.303A>G, p.Ser101= (NM_001363763.2); c.*100A>G (NM_058195.4); c.*379A>G (NM_058197.5).
Identifiers: ClinVar variation 1373052 (VCV001373052.8), dbSNP rs2131091484, ClinGen allele CA464100083.
Genomic context (GRCh38, chr9:21,970,903, plus strand): 5'-TGAATGCTCTGAGCTTTGGAAGCTCTCAGGGTACAAATTCTCAGATCATCAGTCCTCACC[T>C]GAGGGACCTTCCGCGGCATCTATGCGGGCATGGTTACTGCCTCTGGTGCCCCCCGCAGCC-3'
Protein context (NP_000068.1, residues 142-156): HARIDAAEGP[Ser152=]DIPD